The following is an entry in ClinVar:

ClinVar aggregate classification (germline): Uncertain significance (1 of 4 stars; one submission).

Conditions:
Haddad syndrome (OHD). Also called: Ondine-Hirschsprung disease. Identifiers: Orphanet 99803, MedGen C1859049, MONDO:0020493.

Submission:

Labcorp Genetics (formerly Invitae), Labcorp
Classification: Uncertain significance for Haddad syndrome. Last evaluated: 2021-06-28. Review status: criteria provided, single submitter. Criteria: Invitae Variant Classification Sherloc (09022015). Collection method: clinical testing. Allele origin: germline.
Comment: This variant has not been reported in the literature in individuals with PHOX2B-related conditions. In summary, the available evidence is currently insufficient to determine the role of this variant in disease. Therefore, it has been classified as a Variant of Uncertain Significance. Algorithms developed to predict the effect of missense changes on protein structure and function are either unavailable or do not agree on the potential impact of this missense change (SIFT: "Deleterious"; PolyPhen-2: "Not Available"; Align-GVGD: "Class C65"). This variant is not present in population databases (ExAC no frequency). This sequence change replaces glycine with valine at codon 173 of the PHOX2B protein (p.Gly173Val). The glycine residue is highly conserved and there is a moderate physicochemical difference between glycine and valine.

NM_003924.4(PHOX2B):c.518G>T (p.Gly173Val)

Gene: PHOX2B (paired like homeobox 2B; minus strand). Cytogenetic location: 4p13.
Variant type: single nucleotide variant.
Coding change: c.518G>T on transcript NM_003924.4 (MANE Select); coding-DNA position 518, G replaced by T.
Protein change: p.Gly173Val; replaces glycine 173 with valine.
Molecular consequence: missense variant.
Genome position (GRCh38, 1-based): chr4:41,746,234, C>A on the plus strand (G>T on the coding strand, the complement: PHOX2B is on the minus strand). VCF-style: chr4-41746234-C-A. GRCh37 (hg19) VCF-style: chr4-41748251-C-A.
Other names: short protein forms G173V.
Identifiers: ClinVar variation 1516411 (VCV001516411.8), dbSNP rs866814213, ClinGen allele CA356738388.
Genomic context (GRCh38, chr4:41,746,234, plus strand): 5'-TCCGGGTCAGTGCTCTTGGCCTCTTTGCTCTCGTCGTCCCTGGAAGAGTCAGACTTTTTG[C>A]CCGAGGAGCCGTTCTTGGCCGCGGCCGCTGCGGCTGCCGCTGCGCGCTCCTGCTTGCGAA-3'
Protein context (NP_003915.2, residues 163-183): AAAAAKNGSS[Gly173Val]KKSDSSRDDE